The following is an entry in ClinVar:

ClinVar aggregate classification (germline): Benign/Likely benign. Review status: criteria provided, multiple submitters, no conflicts (2 of 4 stars). 5 submissions from 5 submitters: Benign (3); Likely benign (1). 1 of the submissions does not count toward it. Last evaluated 2026-01-12.

Conditions:
NSD1-related disorder. Also called: NSD1-related condition.
Sotos syndrome (SOTOS). Also called: Distinctive facial appearance, overgrowth in childhood, and learning disabilities or delayed development; CHROMOSOME 5q35 DELETION SYNDROME; CEREBRAL GIGANTISM; Sotos' syndrome; SOTOS SYNDROME 1. Identifiers: Orphanet 821, MedGen C0175695, MONDO:0019349, OMIM 117550.

Allele frequency attached by ClinVar (database versions not stated): gnomAD 0.00011 and 0.00006; gnomAD exomes 0.00012 and 0.00036; TOPMed 0.00023; 1000 Genomes Project 0.00160; ExAC 0.00030; 1000 Genomes Project 30x 0.00125.
gnomAD v4.1: 182 of 1,614,096 alleles (0.011%); highest among the groups gnomAD compares: East Asian, 0.39%; 3 homozygotes.

Submissions (5):

Labcorp Genetics (formerly Invitae), Labcorp
Classification: Benign. Last evaluated: 2026-01-12. Review status: criteria provided, single submitter. Criteria: Invitae Variant Classification Sherloc (09022015). Collection method: clinical testing. Allele origin: germline.

Genome-Nilou Lab
Classification: Benign for Sotos syndrome. Last evaluated: 2021-07-15. Review status: criteria provided, single submitter. Criteria: ACMG Guidelines, 2015. Collection method: clinical testing. Allele origin: germline. Affected: no.

GeneDx
Classification: Benign. Last evaluated: 2020-03-13. Review status: criteria provided, single submitter. Criteria: GeneDx Variant Classification Process June 2021. Collection method: clinical testing. Allele origin: germline. Affected: yes.

Eurofins Ntd Llc (ga)
Classification: Likely benign. Last evaluated: 2015-03-03. Review status: criteria provided, single submitter. Criteria: EGL Classification Definitions 2015. Collection method: clinical testing. Allele origin: germline. Observed: 1 variant allele, 1 heterozygote.

PreventionGenetics, part of Exact Sciences
Classification: Likely benign for NSD1-related condition. Last evaluated: 2019-03-28. Review status: no assertion criteria provided. Collection method: clinical testing. Allele origin: germline. Not counted in ClinVar's aggregate classification.
Comment: This variant is classified as likely benign based on ACMG/AMP sequence variant interpretation guidelines (Richards et al. 2015 PMID: 25741868, with internal and published modifications).

NM_022455.5(NSD1):c.4642-7T>C

Gene: NSD1 (nuclear receptor binding SET domain protein 1; plus strand). Cytogenetic location: 5q35.3.
Variant type: single nucleotide variant.
Coding change: c.4642-7T>C on transcript NM_022455.5 (MANE Select); 7 bases into the intron before coding-DNA position 4642, T replaced by C.
Molecular consequence: intron variant.
Genome position (GRCh38, 1-based): chr5:177,251,723, T>C. VCF-style: chr5-177251723-T-C. GRCh37 (hg19) VCF-style: chr5-176678724-T-C.
Other names: c.4642-7T>C (NM_001409301.1, NM_001409302.1, NM_001409303.1); c.4222-7T>C (NM_001409304.1); c.3889-7T>C (NM_001409305.1); c.3769-7T>C (NM_001409306.1, NM_001409308.1, NM_001409307.1 and 3 more transcripts).
Identifiers: ClinVar variation 194116 (VCV000194116.26), dbSNP rs183928380, ClinGen allele CA200966.